The following is an entry in ClinVar:

ClinVar aggregate classification (germline): Uncertain significance (1 of 4 stars; one submission).

Allele frequency attached by ClinVar (database versions not stated): TOPMed below 0.00001; ExAC 0.00001; gnomAD exomes below 0.00001.
gnomAD v4.1: 6 of 1,607,206 alleles (0.00037%); highest among the groups gnomAD compares: Non-Finnish European, 0.00051%; no homozygotes.

Submission:

Labcorp Genetics (formerly Invitae), Labcorp
Classification: Uncertain significance. Last evaluated: 2025-07-22. Review status: criteria provided, single submitter. Criteria: Invitae Variant Classification Sherloc (09022015). Collection method: clinical testing. Allele origin: germline.
Comment: This sequence change replaces serine, which is neutral and polar, with asparagine, which is neutral and polar, at codon 2583 of the DCHS1 protein (p.Ser2583Asn). This variant is present in population databases (rs781095056, gnomAD 0.002%). This variant has not been reported in the literature in individuals affected with DCHS1-related conditions. ClinVar contains an entry for this variant (Variation ID: 2758600). Invitae Evidence Modeling of protein sequence and biophysical properties (such as structural, functional, and spatial information, amino acid conservation, physicochemical variation, residue mobility, and thermodynamic stability) has been performed for this missense variant. However, the output from this modeling did not meet the statistical confidence thresholds required to predict the impact of this variant on DCHS1 protein function. In summary, the available evidence is currently insufficient to determine the role of this variant in disease. Therefore, it has been classified as a Variant of Uncertain Significance.

NM_003737.4(DCHS1):c.7748G>A (p.Ser2583Asn)

Gene: DCHS1 (dachsous cadherin-related 1; minus strand). Cytogenetic location: 11p15.4.
Variant type: single nucleotide variant.
Coding change: c.7748G>A on transcript NM_003737.4 (MANE Select); coding-DNA position 7748, G replaced by A.
Protein change: p.Ser2583Asn; replaces serine 2583 with asparagine.
Molecular consequence: missense variant.
Genome position (GRCh38, 1-based): chr11:6,623,928, C>T on the plus strand (G>A on the coding strand, the complement: DCHS1 is on the minus strand). VCF-style: chr11-6623928-C-T. GRCh37 (hg19) VCF-style: chr11-6645159-C-T.
Other names: short protein forms S2583N.
Identifiers: ClinVar variation 2758600 (VCV002758600.3), dbSNP rs781095056, ClinGen allele CA5859549.